The following is an entry in ClinVar:

NM_020778.5(ALPK3):c.4299_4321dup (p.Thr1441fs)

Gene: ALPK3 (alpha kinase 3; plus strand). Cytogenetic location: 15q25.3.
Variant type: Duplication.
Coding change: c.4299_4321dup on transcript NM_020778.5 (MANE Select); coding-DNA positions 4299 to 4321, 23 bases duplicated (ACCCATCTTCGAGTCGGGCCGCA).
Protein change: p.Thr1441fs; shifts the reading frame from threonine 1441.
Molecular consequence: frameshift variant.
Genome position (GRCh38, 1-based): chr15:84,862,804-84,862,826, ACCCATCTTCGAGTCGGGCCGCA duplicated; duplicating any 23 consecutive bases within chr15:84,862,803-84,862,826 gives the same sequence; the c. name uses the placement nearest the transcript's 3' end. VCF-style (leftmost placement, unchanged base first): chr15-84862802-G-GAACCCATCTTCGAGTCGGGCCGC. GRCh37 (hg19) VCF-style: chr15-85406033-G-GAACCCATCTTCGAGTCGGGCCGC.
Other names: short protein forms T1441fs.
Identifiers: ClinVar variation 2631731 (VCV002631731.3), dbSNP rs2505727517, ClinGen allele CA2695197333.
Genomic context (GRCh38, chr15:84,862,802, plus strand): 5'-GGGGGTGGATATGGGTGTGGCCTTCGGAAGGCCTCCCAGGCCAAGGTCATCTACGGGCTG[G>GAACCCATCTTCGAGTCGGGCCGC]AACCCATCTTCGAGTCGGGCCGCACGTGCATCATCAAGGTGTCCAGCCTGCTTGTGTTTG-3'

ClinVar aggregate classification (germline): Likely pathogenic. Review status: criteria provided, multiple submitters, no conflicts (2 of 4 stars). 2 submissions from 2 submitters: Likely pathogenic (2). Last evaluated 2023-07-24.

Conditions:
Cardiomyopathy, familial hypertrophic 27. Identifiers: MedGen C4748014, MONDO:0054838, OMIM 618052.
ALPK3-related disorder. Also called: ALPK3-related condition.

Submissions (2):

PreventionGenetics, part of Exact Sciences
Classification: Likely pathogenic for ALPK3-related condition. Last evaluated: 2023-07-24. Review status: criteria provided, single submitter. Criteria: ACMG Guidelines, 2015. Collection method: clinical testing. Allele origin: germline.
Comment: The ALPK3 c.4905_4927dup23 variant is predicted to result in a frameshift and premature protein termination (p.Thr1643Asnfs*45). To our knowledge, this variant has not been reported in the literature or in a large population database, indicating this variant is rare. Frameshift variants in ALPK3 are expected to be pathogenic. This variant is interpreted as likely pathogenic.

Juno Genomics, Hangzhou Juno Genomics, Inc
Classification: Likely pathogenic for Cardiomyopathy, familial hypertrophic 27. Review status: criteria provided, single submitter. Criteria: ACMG Guidelines, 2015. Collection method: clinical testing. Allele origin: germline.
Comment: Null variant in a gene where loss of function (LOF) is a known mechanism of disease.;Absent from controls (or at extremely low frequency if recessive) in Genome Aggregation Database.